The following is an entry in ClinVar:

ClinVar aggregate classification (germline): Uncertain significance (1 of 4 stars; one submission).

Submission:

GeneDx
Classification: Uncertain significance. Last evaluated: 2025-04-23. Review status: criteria provided, single submitter. Criteria: GeneDx Variant Classification Process June 2021. Collection method: clinical testing. Allele origin: germline. Affected: yes.
Comment: Not observed at significant frequency in large population cohorts (gnomAD); In silico analysis supports that this missense variant has a deleterious effect on protein structure/function; Has not been previously published as pathogenic or benign to our knowledge

NM_001308093.3(GATA4):c.629A>C (p.Asp210Ala)

Gene: GATA4 (GATA binding protein 4). Cytogenetic location: 8p23.1.
Variant type: single nucleotide variant.
Coding change: c.629A>C on transcript NM_001308093.3 (MANE Select); coding-DNA position 629, A replaced by C.
Protein change: p.Asp210Ala; replaces aspartic acid 210 with alanine.
Molecular consequence: missense variant.
Genome position (GRCh38, 1-based): chr8:11,748,928, A>C. VCF-style: chr8-11748928-A-C. GRCh37 (hg19) VCF-style: chr8-11606437-A-C.
Other names: c.8A>C, p.Asp3Ala (NM_001308094.2, NM_001374273.1, NM_001374274.1); c.626A>C, p.Asp209Ala (NM_002052.5); short protein forms D209A, D210A, D3A.
Identifiers: ClinVar variation 4527386 (VCV004527386.1).